The following is an entry in ClinVar:

ClinVar aggregate classification (germline): Uncertain significance. Review status: criteria provided, multiple submitters, no conflicts (2 of 4 stars). 2 submissions from 2 submitters: Uncertain significance (2). Last evaluated 2025-03-19.

Allele frequency attached by ClinVar (database versions not stated): gnomAD exomes below 0.00001; gnomAD 0.00001; ExAC 0.00002; 1000 Genomes Project 30x 0.00016; 1000 Genomes Project 0.00020.
gnomAD v4.1: 5 of 1,613,714 alleles (0.00031%); highest among the groups gnomAD compares: East Asian, 0.0022%; no homozygotes.

Submissions (2):

Labcorp Genetics (formerly Invitae), Labcorp
Classification: Uncertain significance. Last evaluated: 2025-03-19. Review status: criteria provided, single submitter. Criteria: Invitae Variant Classification Sherloc (09022015). Collection method: clinical testing. Allele origin: germline.
Comment: This sequence change replaces glutamic acid, which is acidic and polar, with lysine, which is basic and polar, at codon 164 of the SAG protein (p.Glu164Lys). This variant is present in population databases (rs536561208, gnomAD 0.006%). This variant has not been reported in the literature in individuals affected with SAG-related conditions. ClinVar contains an entry for this variant (Variation ID: 2099106). An algorithm developed to predict the effect of missense changes on protein structure and function outputs the following: PolyPhen-2: "Benign". The lysine amino acid residue is found in multiple mammalian species, which suggests that this missense change does not adversely affect protein function. In summary, the available evidence is currently insufficient to determine the role of this variant in disease. Therefore, it has been classified as a Variant of Uncertain Significance.

Blueprint Genetics
Classification: Uncertain significance. Last evaluated: 2024-09-04. Review status: criteria provided, single submitter. Criteria: ACMG Guidelines, 2015. Collection method: clinical testing. Allele origin: germline.

NM_000541.5(SAG):c.490G>A (p.Glu164Lys)

Gene: SAG (S-antigen visual arrestin; plus strand). Cytogenetic location: 2q37.1.
Variant type: single nucleotide variant.
Coding change: c.490G>A on transcript NM_000541.5 (MANE Select); coding-DNA position 490, G replaced by A.
Protein change: p.Glu164Lys; replaces glutamic acid 164 with lysine.
Molecular consequence: missense variant.
Genome position (GRCh38, 1-based): chr2:233,327,175, G>A. VCF-style: chr2-233327175-G-A. GRCh37 (hg19) VCF-style: chr2-234235821-G-A.
Other names: short protein forms E164K.
Identifiers: ClinVar variation 2099106 (VCV002099106.5), dbSNP rs536561208, ClinGen allele CA2174396.